The following is an entry in ClinVar:

NM_001009944.3(PKD1):c.6549dup (p.Glu2184Ter)

Gene: PKD1 (polycystin 1, transient receptor potential channel interacting; minus strand). Cytogenetic location: 16p13.3.
Variant type: Duplication.
Coding change: c.6549dup on transcript NM_001009944.3 (MANE Select); coding-DNA position 6549, one base duplicated (T; older notation c.6549dupT).
Protein change: p.Glu2184Ter; replaces glutamic acid 2184 with a stop codon.
Molecular consequence: nonsense.
Genome position (GRCh38, 1-based): chr16:2,108,618, A duplicated on the plus strand (T on the coding strand, the reverse complement: PKD1 is on the minus strand). VCF-style (leftmost placement, unchanged base first): chr16-2108617-C-CA. GRCh37 (hg19) VCF-style: chr16-2158618-C-CA.
Other names: c.6549dupT (NM_001009944.2); c.6549dup, p.Glu2184Ter (NM_000296.4); c.6549dup (NM_001009944.2); short protein forms E2184*.
Identifiers: ClinVar variation 451918 (VCV000451918.6), dbSNP rs1555454373, ClinGen allele CA658658351.

ClinVar aggregate classification (germline): Pathogenic. Review status: criteria provided, multiple submitters, no conflicts (2 of 4 stars). 3 submissions from 3 submitters: Pathogenic (3). Last evaluated 2025-07-06.

Conditions:
Polycystic kidney disease, adult type (PKD1). Also called: POLYCYSTIC KIDNEY DISEASE, ADULT, TYPE I; Polycystic Kidney, Autosomal Dominant; POLYCYSTIC KIDNEY DISEASE 1 WITH OR WITHOUT POLYCYSTIC LIVER DISEASE; Polycystic Kidney Disease 1, Autosomal Dominant; Polycystic kidney disease 1; Polycystic kidney disease 1, severe. Identifiers: MedGen C3149841, MONDO:0008263, OMIM 173900.

Submissions (3):

GeneDx
Classification: Pathogenic. Last evaluated: 2025-07-06. Review status: criteria provided, single submitter. Criteria: GeneDx Variant Classification Process June 2021. Collection method: clinical testing. Allele origin: germline. Affected: yes.
Comment: Nonsense variant predicted to result in protein truncation or nonsense mediated decay in a gene for which loss of function is a known mechanism of disease; Not observed at significant frequency in large population cohorts (gnomAD); This variant is associated with the following publications: (PMID: 17582161, 31740684, 21115670)

Fulgent Genetics
Classification: Pathogenic for Polycystic kidney disease, adult type. Last evaluated: 2022-04-19. Review status: criteria provided, single submitter. Criteria: ACMG Guidelines, 2015. Collection method: clinical testing. Allele origin: unknown.

Juno Genomics, Hangzhou Juno Genomics, Inc
Classification: Pathogenic for Polycystic kidney disease, adult type. Review status: criteria provided, single submitter. Criteria: ACMG Guidelines, 2015. Collection method: clinical testing. Allele origin: germline. Affected: yes.
Comment: Null variant in a gene where loss of function (LOF) is a known mechanism of disease.;Absent from controls (or at extremely low frequency if recessive) in Genome Aggregation Database.;The prevalence of the variant in affected individuals is significantly increased compared to the prevalence in controls.